The following is an entry in ClinVar:

ClinVar aggregate classification (germline): Uncertain significance. Review status: criteria provided, multiple submitters, no conflicts (2 of 4 stars). 4 submissions from 4 submitters: Uncertain significance (4). Last evaluated 2025-05-09.

Conditions:
Inborn genetic diseases. Identifiers: MedGen C0950123, MeSH D030342.
Chédiak-Higashi syndrome (CHS). Also called: Chediak-Higashi Syndrome. Identifiers: Orphanet 167, MedGen C0007965, MONDO:0008963, OMIM 214500.

Allele frequency attached by ClinVar (database versions not stated): gnomAD 0.00001; gnomAD exomes 0.00002; ExAC 0.00005; TOPMed 0.00006.
gnomAD v4.1: 15 of 1,613,894 alleles (0.00093%); highest among the groups gnomAD compares: Admixed American, 0.025%; no homozygotes.

Submissions (4):

Women's Health and Genetics/Laboratory Corporation of America, LabCorp
Classification: Uncertain significance. Last evaluated: 2025-05-09. Review status: criteria provided, single submitter. Criteria: LabCorp Variant Classification Summary - May 2015. Collection method: clinical testing. Allele origin: germline.
Comment: Variant summary: LYST c.2029A>G (p.Ile677Val) results in a conservative amino acid change in the encoded protein sequence. Algorithms developed to predict the effect of missense changes on protein structure and function are either unavailable or do not agree on the potential impact of this missense change. The variant allele was found at a frequency of 4e-05 in 249996 control chromosomes (gnomAD). This frequency is not significantly higher than estimated for a pathogenic variant in LYST causing Chediak-Higashi Syndrome (4e-05 vs 0.0011), allowing no conclusion about variant significance. To our knowledge, no occurrence of c.2029A>G in individuals affected with Chediak-Higashi Syndrome and no experimental evidence demonstrating its impact on protein function have been reported. ClinVar contains an entry for this variant (Variation ID: 933745). Based on the evidence outlined above, the variant was classified as uncertain significance.

Labcorp Genetics (formerly Invitae), Labcorp
Classification: Uncertain significance for Chédiak-Higashi syndrome. Last evaluated: 2025-01-06. Review status: criteria provided, single submitter. Criteria: Invitae Variant Classification Sherloc (09022015). Collection method: clinical testing. Allele origin: germline.
Comment: This sequence change replaces isoleucine, which is neutral and non-polar, with valine, which is neutral and non-polar, at codon 677 of the LYST protein (p.Ile677Val). This variant is present in population databases (rs779574809, gnomAD 0.03%). This variant has not been reported in the literature in individuals affected with LYST-related conditions. ClinVar contains an entry for this variant (Variation ID: 933745). Invitae Evidence Modeling of protein sequence and biophysical properties (such as structural, functional, and spatial information, amino acid conservation, physicochemical variation, residue mobility, and thermodynamic stability) indicates that this missense variant is not expected to disrupt LYST protein function with a negative predictive value of 80%. In summary, the available evidence is currently insufficient to determine the role of this variant in disease. Therefore, it has been classified as a Variant of Uncertain Significance.

Ambry Genetics
Classification: Uncertain significance for Inborn genetic diseases. Last evaluated: 2024-11-10. Review status: criteria provided, single submitter. Criteria: Ambry Variant Classification Scheme 2023. Collection method: clinical testing. Allele origin: germline.

Fulgent Genetics
Classification: Uncertain significance for Chédiak-Higashi syndrome. Last evaluated: 2024-01-22. Review status: criteria provided, single submitter. Criteria: ACMG Guidelines, 2015. Collection method: clinical testing. Allele origin: germline.

NM_000081.4(LYST):c.2029A>G (p.Ile677Val)

Gene: LYST (lysosomal trafficking regulator; minus strand). Cytogenetic location: 1q42.3.
Variant type: single nucleotide variant.
Coding change: c.2029A>G on transcript NM_000081.4 (MANE Select); coding-DNA position 2029, A replaced by G.
Protein change: p.Ile677Val; replaces isoleucine 677 with valine.
Molecular consequence: missense variant.
Genome position (GRCh38, 1-based): chr1:235,808,789, T>C on the plus strand (A>G on the coding strand, the complement: LYST is on the minus strand). VCF-style: chr1-235808789-T-C. GRCh37 (hg19) VCF-style: chr1-235972089-T-C.
Other names: c.2029A>G (NM_000081.2); c.2029A>G, p.Ile677Val (NM_001301365.1); short protein forms I677V.
Identifiers: ClinVar variation 933745 (VCV000933745.9), dbSNP rs779574809, ClinGen allele CA1467362.